The following is an entry in ClinVar:

ClinVar aggregate classification (germline): Uncertain significance. Review status: criteria provided, multiple submitters, no conflicts (2 of 4 stars). 2 submissions from 2 submitters: Uncertain significance (2). Last evaluated 2021-11-04.

Conditions:
Renal hypomagnesemia 5 with ocular involvement. Also called: FHHNC WITH SEVERE OCULAR INVOLVEMENT; HYPOMAGNESEMIA, FAMILIAL, WITH HYPERCALCIURIA, NEPHROCALCINOSIS, AND SEVERE OCULAR INVOLVEMENT; MACULAR COLOBOMA, BILATERAL, WITH HYPERCALCIURIA; HYPOMAGNESEMIA 5, RENAL, WITH OR WITHOUT OCULAR INVOLVEMENT. Identifiers: Orphanet 2196, MedGen C4721891, MONDO:0009548, OMIM 248190.

Allele frequency attached by ClinVar (database versions not stated): gnomAD 0.00001 and 0.00003; TOPMed 0.00003; 1000 Genomes Project 0.00040; 1000 Genomes Project 30x 0.00047.
gnomAD v4.1: 82 of 1,613,856 alleles (0.0051%); highest among the groups gnomAD compares: East Asian, 0.031%; no homozygotes.

Submissions (2):

Fulgent Genetics
Classification: Uncertain significance for Renal hypomagnesemia 5 with ocular involvement. Last evaluated: 2021-11-04. Review status: criteria provided, single submitter. Criteria: ACMG Guidelines, 2015. Collection method: clinical testing. Allele origin: unknown.

Labcorp Genetics (formerly Invitae), Labcorp
Classification: Uncertain significance. Last evaluated: 2021-08-28. Review status: criteria provided, single submitter. Criteria: Invitae Variant Classification Sherloc (09022015). Collection method: clinical testing. Allele origin: germline.
Comment: This sequence change replaces alanine with threonine at codon 218 of the CLDN19 protein (p.Ala218Thr). The alanine residue is weakly conserved and there is a small physicochemical difference between alanine and threonine. This variant is present in population databases (rs535667246, ExAC 0.08%). This variant has not been reported in the literature in individuals affected with CLDN19-related conditions. Algorithms developed to predict the effect of missense changes on protein structure and function output the following: SIFT: "Tolerated"; PolyPhen-2: "Benign"; Align-GVGD: "Class C0". The threonine amino acid residue is found in multiple mammalian species, which suggests that this missense change does not adversely affect protein function. In summary, the available evidence is currently insufficient to determine the role of this variant in disease. Therefore, it has been classified as a Variant of Uncertain Significance.

NM_148960.3(CLDN19):c.652G>A (p.Ala218Thr)

Gene: CLDN19 (claudin 19; minus strand). Cytogenetic location: 1p34.2.
Variant type: single nucleotide variant.
Coding change: c.652G>A on transcript NM_148960.3 (MANE Select); coding-DNA position 652, G replaced by A.
Protein change: p.Ala218Thr; replaces alanine 218 with threonine.
Molecular consequence: missense variant. On other transcripts: 3 prime UTR variant (2).
Genome position (GRCh38, 1-based): chr1:42,735,109, C>T on the plus strand (G>A on the coding strand, the complement: CLDN19 is on the minus strand). VCF-style: chr1-42735109-C-T. GRCh37 (hg19) VCF-style: chr1-43200780-C-T.
Other names: c.*759G>A (NM_001123395.2); c.*653G>A (NM_001185117.2); short protein forms A218T.
Identifiers: ClinVar variation 1482094 (VCV001482094.6), dbSNP rs535667246, ClinGen allele CA801296.